The following is an entry in ClinVar:

NM_006147.4(IRF6):c.*2151C>A

Gene: IRF6 (interferon regulatory factor 6; minus strand). Cytogenetic location: 1q32.2.
Variant type: single nucleotide variant.
Coding change: c.*2151C>A on transcript NM_006147.4 (MANE Select); 2151 bases downstream of the stop codon, C replaced by A.
Molecular consequence: 3 prime UTR variant.
Genome position (GRCh38, 1-based): chr1:209,786,269, G>T on the plus strand (C>A on the coding strand, the complement: IRF6 is on the minus strand). VCF-style: chr1-209786269-G-T. GRCh37 (hg19) VCF-style: chr1-209959614-G-T.
Other names: c.*2151C>A (NM_001206696.2).
Identifiers: ClinVar variation 295175 (VCV000295175.6), dbSNP rs1044516, ClinGen allele CA10609597.

ClinVar aggregate classification (germline): Benign. Review status: criteria provided, multiple submitters, no conflicts (2 of 4 stars). 3 submissions from 2 submitters: Benign (3). Last evaluated 2018-01-13.

Conditions:
Orofacial cleft 6, susceptibility to (OFC6). Also called: CLEFT LIP WITH OR WITHOUT CLEFT PALATE, NONSYNDROMIC, 6. Identifiers: MedGen C1837213, MONDO:0012141, OMIM 608864.
Van der Woude syndrome 1. Also called: CLEFT LIP AND/OR PALATE WITH MUCOUS CYSTS OF LOWER LIP; van der Woude Syndrome (VWS). Identifiers: MedGen C4551864, MONDO:0007333, OMIM 119300.

Allele frequency attached by ClinVar (database versions not stated): gnomAD exomes 0.14286; gnomAD 0.22319 and 0.22914; TOPMed 0.24310; 1000 Genomes Project 30x 0.30512; 1000 Genomes Project 0.30990.

Submissions (3):

Illumina Laboratory Services, Illumina
Classification: Benign for Orofacial cleft 6, susceptibility to. Last evaluated: 2018-01-13. Review status: criteria provided, single submitter. Criteria: ICSL Variant Classification Criteria 13 December 2019. Collection method: clinical testing. Allele origin: germline.
Comment: This variant was observed in the ICSL laboratory as part of a predisposition screen in an ostensibly healthy population. It had not been previously curated by ICSL or reported in the Human Gene Mutation Database (HGMD: prior to June 1st, 2018), and was therefore a candidate for classification through an automated scoring system. Utilizing variant allele frequency, disease prevalence and penetrance estimates, and inheritance mode, an automated score was calculated to assess if this variant is too frequent to cause the disease. Based on the score and internal cut-off values, a variant classified as benign is not then subjected to further curation. The score for this variant resulted in a classification of benign for this disease.

Illumina Laboratory Services, Illumina
Classification: Benign for Van der Woude syndrome 1. Last evaluated: 2018-01-13. Review status: criteria provided, single submitter. Criteria: ICSL Variant Classification Criteria 13 December 2019. Collection method: clinical testing. Allele origin: germline.
Comment: the same text as in the submission from Illumina Laboratory Services, Illumina above.

Breakthrough Genomics
Classification: Benign. Review status: criteria provided, single submitter. Criteria: ACMG Guidelines, 2015. Collection method: not provided. Allele origin: germline. Inheritance: Autosomal dominant inheritance. Affected: yes.